The following is an entry in ClinVar:

NM_001378452.1(ITPR1):c.3457A>G (p.Met1153Val)

Gene: ITPR1 (inositol 1,4,5-trisphosphate receptor type 1; plus strand). Cytogenetic location: 3p26.1.
Variant type: single nucleotide variant.
Coding change: c.3457A>G on transcript NM_001378452.1 (MANE Select); coding-DNA position 3457, A replaced by G.
Protein change: p.Met1153Val; replaces methionine 1153 with valine.
Molecular consequence: missense variant.
Genome position (GRCh38, 1-based): chr3:4,683,757, A>G. VCF-style: chr3-4683757-A-G. GRCh37 (hg19) VCF-style: chr3-4725441-A-G.
Other names: c.3430A>G, p.Met1144Val (NM_001099952.4); c.3412A>G, p.Met1138Val (NM_001168272.2); c.3385A>G, p.Met1129Val (NM_002222.7); short protein forms M1129V, M1138V, M1144V, M1153V.
Identifiers: ClinVar variation 345726 (VCV000345726.57), dbSNP rs199698357, ClinGen allele CA2231667.

ClinVar aggregate classification (germline): Conflicting classifications of pathogenicity. Review status: criteria provided, conflicting classifications (1 of 4 stars). 6 submissions from 6 submitters: Uncertain significance (1); Likely benign (5). Last evaluated 2026-01-12.

Conditions:
Autosomal dominant cerebellar ataxia. Also called: Spinocerebellar Ataxia, Dominant. Identifiers: Orphanet 99, MedGen C4087347, MONDO:0020380.
Spinocerebellar ataxia type 29 (SCA29). Also called: Spinocerebellar ataxia 29, congenital nonprogressive; CEREBELLAR ATAXIA, CONGENITAL NONPROGRESSIVE, AUTOSOMAL DOMINANT. Identifiers: Orphanet 208513, MedGen C1861732, MONDO:0007298, OMIM 117360.

Allele frequency attached by ClinVar (database versions not stated): TOPMed 0.00009; gnomAD 0.00010 and 0.00011; gnomAD exomes 0.00019 and 0.00030; ExAC 0.00048.

Submissions (6):

Labcorp Genetics (formerly Invitae), Labcorp
Classification: Likely benign. Last evaluated: 2026-01-12. Review status: criteria provided, single submitter. Criteria: Invitae Variant Classification Sherloc (09022015). Collection method: clinical testing. Allele origin: germline.

CeGaT Center for Human Genetics Tuebingen
Classification: Uncertain significance. Last evaluated: 2024-12-01. Review status: criteria provided, single submitter. Criteria: CeGaT Center For Human Genetics Tuebingen Variant Classification Criteria Version 2. Collection method: clinical testing. Allele origin: germline. Affected: yes. Observed: 3 variant alleles.

Blueprint Genetics
Classification: Likely benign. Last evaluated: 2024-11-14. Review status: criteria provided, single submitter. Criteria: ACMG Guidelines, 2015. Collection method: clinical testing. Allele origin: germline.

Athena Diagnostics
Classification: Likely benign. Last evaluated: 2019-10-31. Review status: criteria provided, single submitter. Criteria: Athena Diagnostics Criteria. Collection method: clinical testing. Allele origin: unknown.

Schule lab, Hertie Institute for Clinical Brain Research
Classification: Likely benign for Spinocerebellar ataxia type 29. Last evaluated: 2018-02-09. Review status: criteria provided, single submitter. Criteria: Synofzik et al. (Eur J Hum Genet. 2018). Collection method: research. Allele origin: inherited. Affected: yes. Observed: 2 variant alleles.

Illumina Laboratory Services, Illumina
Classification: Likely benign for Spinocerebellar Ataxia, Dominant. Last evaluated: 2018-01-13. Review status: criteria provided, single submitter. Criteria: ICSL Variant Classification Criteria 13 December 2019. Collection method: clinical testing. Allele origin: germline.
Comment: This variant was observed in the ICSL laboratory as part of a predisposition screen in an ostensibly healthy population. It had not been previously curated by ICSL or reported in the Human Gene Mutation Database (HGMD: prior to June 1st, 2018), and was therefore a candidate for classification through an automated scoring system. Utilizing variant allele frequency, disease prevalence and penetrance estimates, and inheritance mode, an automated score was calculated to assess if this variant is too frequent to cause the disease. Based on the score and internal cut-off values, a variant classified as likely benign is not then subjected to further curation. The score for this variant resulted in a classification of likely benign for this disease.

Literature cited by the submitters: PubMed 30778698 (cited by Athena Diagnostics).